The following is an entry in ClinVar:

NM_006204.4(PDE6C):c.25G>A (p.Val9Met)

Gene: PDE6C (phosphodiesterase 6C; plus strand). Cytogenetic location: 10q23.33.
Variant type: single nucleotide variant.
Coding change: c.25G>A on transcript NM_006204.4 (MANE Select); coding-DNA position 25, G replaced by A.
Protein change: p.Val9Met; replaces valine 9 with methionine.
Molecular consequence: missense variant.
Genome position (GRCh38, 1-based): chr10:93,612,750, G>A. VCF-style: chr10-93612750-G-A. GRCh37 (hg19) VCF-style: chr10-95372507-G-A.
Other names: short protein forms V9M.
Identifiers: ClinVar variation 850830 (VCV000850830.42), dbSNP rs750739971, ClinGen allele CA5609753.

ClinVar aggregate classification (germline): Uncertain significance. Review status: criteria provided, multiple submitters, no conflicts (2 of 4 stars). 3 submissions from 3 submitters: Uncertain significance (3). Last evaluated 2026-01-05.

Allele frequency attached by ClinVar (database versions not stated): gnomAD exomes 0.00002 and 0.00004; gnomAD 0.00003; TOPMed 0.00003; ExAC 0.00006.
gnomAD v4.1: 31 of 1,613,954 alleles (0.0019%); highest among the groups gnomAD compares: South Asian, 0.015%; no homozygotes.

Submissions (3):

Labcorp Genetics (formerly Invitae), Labcorp
Classification: Uncertain significance. Last evaluated: 2026-01-05. Review status: criteria provided, single submitter. Criteria: Invitae Variant Classification Sherloc (09022015). Collection method: clinical testing. Allele origin: germline.
Comment: This sequence change replaces valine, which is neutral and non-polar, with methionine, which is neutral and non-polar, at codon 9 of the PDE6C protein (p.Val9Met). This variant is present in population databases (rs750739971, gnomAD 0.03%). This variant has not been reported in the literature in individuals affected with PDE6C-related conditions. ClinVar contains an entry for this variant (Variation ID: 850830). Invitae Evidence Modeling of protein sequence and biophysical properties (such as structural, functional, and spatial information, amino acid conservation, physicochemical variation, residue mobility, and thermodynamic stability) indicates that this missense variant is expected to disrupt PDE6C protein function with a positive predictive value of 95%. In summary, the available evidence is currently insufficient to determine the role of this variant in disease. Therefore, it has been classified as a Variant of Uncertain Significance.

Blueprint Genetics
Classification: Uncertain significance. Last evaluated: 2024-07-10. Review status: criteria provided, single submitter. Criteria: ACMG Guidelines, 2015. Collection method: clinical testing. Allele origin: germline.

CeGaT Center for Human Genetics Tuebingen
Classification: Uncertain significance. Last evaluated: 2021-05-01. Review status: criteria provided, single submitter. Criteria: CeGaT Center For Human Genetics Tuebingen Variant Classification Criteria Version 2. Collection method: clinical testing. Allele origin: germline. Affected: yes. Observed: 1 variant allele.